The following is an entry in ClinVar:

ClinVar aggregate classification (germline): Likely pathogenic. Review status: criteria provided, multiple submitters, no conflicts (2 of 4 stars). 2 submissions from 2 submitters: Likely pathogenic (2). Last evaluated 2023-03-22.

Conditions:
Congenital myasthenic syndrome 4A. Also called: MYASTHENIC SYNDROME, CONGENITAL, 4A, SLOW-CHANNEL, AUTOSOMAL RECESSIVE; Myasthenic syndrome, congenital, 4a, slow-channel; CONGENITAL MYASTHENIC SYNDROME TYPE Ia1. Identifiers: Orphanet 590, MedGen C4225413, MONDO:0011600, OMIM 605809.

Submissions (2):

Baylor Genetics
Classification: Likely pathogenic for Congenital myasthenic syndrome 4A. Last evaluated: 2023-03-22. Review status: criteria provided, single submitter. Criteria: ACMG Guidelines, 2015. Collection method: clinical testing. Allele origin: unknown.

Labcorp Genetics (formerly Invitae), Labcorp
Classification: Likely pathogenic for Congenital myasthenic syndrome 4A. Last evaluated: 2020-09-16. Review status: criteria provided, single submitter. Criteria: Invitae Variant Classification Sherloc (09022015). Collection method: clinical testing. Allele origin: germline.
Comment: This variant has not been reported in the literature in individuals with CHRNE-related disease. ClinVar contains an entry for this variant (Variation ID: 578263). In summary, the currently available evidence indicates that the variant is pathogenic, but additional data are needed to prove that conclusively. Therefore, this variant has been classified as Likely Pathogenic. Loss-of-function variants in CHRNE are known to be pathogenic (PMID: 22678886). This variant is not present in population databases (ExAC no frequency). This variant is a deletion of the genomic region encompassing part of exon 11 (c.1220-6_1227del) of the CHRNE gene. It is expected to disrupt RNA splicing and likely results in an absent or disrupted protein product.

Literature cited by the submitters: PubMed 22678886 (cited by Labcorp Genetics (formerly Invitae), Labcorp).

NM_000080.4(CHRNE):c.1220-6_1227del

Gene: CHRNE (cholinergic receptor nicotinic epsilon subunit; minus strand). Cytogenetic location: 17p13.2.
Variant type: Deletion.
Coding change: c.1220-6_1227del on transcript NM_000080.4 (MANE Select); 6 bases into the intron before coding-DNA position 1220 through coding-DNA position 1227, 14 bases deleted (CGCCAGCTGCCTTC).
Molecular consequence: splice acceptor variant.
Genome position (GRCh38, 1-based): chr17:4,899,100-4,899,113, GAAGGCAGCTGGCG deleted on the plus strand (CGCCAGCTGCCTTC on the coding strand, the reverse complement: CHRNE is on the minus strand); deleting any 14 consecutive bases within chr17:4,899,100-4,899,114 gives the same sequence; the c. name uses the placement nearest the transcript's 3' end. VCF-style (leftmost placement, unchanged base first): chr17-4899099-AGAAGGCAGCTGGCG-A. GRCh37 (hg19) VCF-style: chr17-4802394-AGAAGGCAGCTGGCG-A.
Other names: c.1220-6_1227delCGCCAGCTGCCTTC (NM_000080.3).
Identifiers: ClinVar variation 578263 (VCV000578263.7), dbSNP rs1567635954, ClinGen allele CA891844476.